The following is an entry in ClinVar:

ClinVar aggregate classification (germline): Uncertain significance (1 of 4 stars; one submission).

Allele frequency attached by ClinVar (database versions not stated): ExAC 0.00001; gnomAD 0.00001; TOPMed 0.00001; gnomAD exomes 0.00006.
gnomAD v4.1: 82 of 1,609,510 alleles (0.0051%); highest among the groups gnomAD compares: Non-Finnish European, 0.0069%; no homozygotes.

Submission:

Ambry Genetics
Classification: Uncertain significance. Last evaluated: 2023-12-20. Review status: criteria provided, single submitter. Criteria: Ambry Variant Classification Scheme 2023. Collection method: clinical testing. Allele origin: germline.
Comment: The p.Q127K variant (also known as c.379C>A), located in coding exon 4 of the BUB1 gene, results from a C to A substitution at nucleotide position 379. The glutamine at codon 127 is replaced by lysine, an amino acid with similar properties. This amino acid position is conserved. In addition, this alteration is predicted to be tolerated by in silico analysis. Since supporting evidence is limited at this time, the clinical significance of this alteration remains unclear.

NM_004336.5(BUB1):c.379C>A (p.Gln127Lys)

Gene: BUB1 (BUB1 mitotic checkpoint serine/threonine kinase; minus strand). Cytogenetic location: 2q13.
Variant type: single nucleotide variant.
Coding change: c.379C>A on transcript NM_004336.5 (MANE Select); coding-DNA position 379, C replaced by A.
Protein change: p.Gln127Lys; replaces glutamine 127 with lysine.
Molecular consequence: missense variant.
Genome position (GRCh38, 1-based): chr2:110,672,704, G>T on the plus strand (C>A on the coding strand, the complement: BUB1 is on the minus strand). VCF-style: chr2-110672704-G-T. GRCh37 (hg19) VCF-style: chr2-111430281-G-T.
Other names: c.319C>A, p.Gln107Lys (NM_001278616.2); c.379C>A, p.Gln127Lys (NM_001278617.2); short protein forms Q107K, Q127K.
Identifiers: ClinVar variation 1735012 (VCV001735012.2), dbSNP rs753757823, ClinGen allele CA1828378.